The following is an entry in ClinVar:

NM_003190.5(TAPBP):c.850C>G (p.Leu284Val)

Gene: TAPBP (TAP binding protein; minus strand). Cytogenetic location: 6p21.32.
Variant type: single nucleotide variant.
Coding change: c.850C>G on transcript NM_003190.5 (MANE Select); coding-DNA position 850, C replaced by G.
Protein change: p.Leu284Val; replaces leucine 284 with valine.
Molecular consequence: missense variant.
Genome position (GRCh38, 1-based): chr6:33,305,007, G>C on the plus strand (C>G on the coding strand, the complement: TAPBP is on the minus strand). VCF-style: chr6-33305007-G-C. GRCh37 (hg19) VCF-style: chr6-33272784-G-C.
Other names: c.850C>G, p.Leu284Val (NM_001410875.1, NM_172208.3); c.589C>G, p.Leu197Val (NM_172209.3); short protein forms L197V, L284V.
Identifiers: ClinVar variation 3708807 (VCV003708807.2).

ClinVar aggregate classification (germline): Uncertain significance (1 of 4 stars; one submission).

Conditions:
MHC class I deficiency. Identifiers: Orphanet 34592, MedGen C6024714, MONDO:0011476.

gnomAD v4.1: 25 of 1,614,088 alleles (0.0015%); highest among the groups gnomAD compares: Non-Finnish European, 0.0021%; no homozygotes.

Submission:

Labcorp Genetics (formerly Invitae), Labcorp
Classification: Uncertain significance for MHC class I deficiency 1. Last evaluated: 2024-12-12. Review status: criteria provided, single submitter. Criteria: Invitae Variant Classification Sherloc (09022015). Collection method: clinical testing. Allele origin: germline.
Comment: This sequence change replaces leucine, which is neutral and non-polar, with valine, which is neutral and non-polar, at codon 284 of the TAPBP protein (p.Leu284Val). This variant is not present in population databases (gnomAD no frequency). This variant has not been reported in the literature in individuals affected with TAPBP-related conditions. An algorithm developed to predict the effect of missense changes on protein structure and function (PolyPhen-2) suggests that this variant is likely to be tolerated. In summary, the available evidence is currently insufficient to determine the role of this variant in disease. Therefore, it has been classified as a Variant of Uncertain Significance.